The following is an entry in ClinVar:

ClinVar aggregate classification (germline): Uncertain significance (1 of 4 stars; one submission).

Allele frequency attached by ClinVar (database versions not stated): gnomAD 0.00001; gnomAD exomes 0.00001 and 0.00002; ExAC 0.00002; TOPMed 0.00004; ESP Exome Variant Server 0.00008.
gnomAD v4.1: 21 of 1,613,894 alleles (0.0013%); highest among the groups gnomAD compares: African/African-American, 0.0053%; no homozygotes.

Submission:

Labcorp Genetics (formerly Invitae), Labcorp
Classification: Uncertain significance. Last evaluated: 2026-01-06. Review status: criteria provided, single submitter. Criteria: Invitae Variant Classification Sherloc (09022015). Collection method: clinical testing. Allele origin: germline.
Comment: This sequence change replaces valine, which is neutral and non-polar, with isoleucine, which is neutral and non-polar, at codon 233 of the TNFRSF11A protein (p.Val233Ile). This variant is present in population databases (rs369676982, gnomAD 0.02%). This variant has not been reported in the literature in individuals affected with TNFRSF11A-related conditions. ClinVar contains an entry for this variant (Variation ID: 1447023). Invitae Evidence Modeling of protein sequence and biophysical properties (such as structural, functional, and spatial information, amino acid conservation, physicochemical variation, residue mobility, and thermodynamic stability) indicates that this missense variant is not expected to disrupt TNFRSF11A protein function with a negative predictive value of 80%. In summary, the available evidence is currently insufficient to determine the role of this variant in disease. Therefore, it has been classified as a Variant of Uncertain Significance.

NM_003839.4(TNFRSF11A):c.697G>A (p.Val233Ile)

Gene: TNFRSF11A (TNF receptor superfamily member 11a; plus strand). Cytogenetic location: 18q21.33.
Variant type: single nucleotide variant.
Coding change: c.697G>A on transcript NM_003839.4 (MANE Select); coding-DNA position 697, G replaced by A.
Protein change: p.Val233Ile; replaces valine 233 with isoleucine.
Molecular consequence: missense variant. On other transcripts: intron variant (1).
Genome position (GRCh38, 1-based): chr18:62,361,760, G>A. VCF-style: chr18-62361760-G-A. GRCh37 (hg19) VCF-style: chr18-60028993-G-A.
Other names: c.697G>A, p.Val233Ile (NM_001270949.2, NM_001270950.2); c.655G>A, p.Val219Ile (NM_001278268.2); c.616+1711G>A (NM_001270951.2); short protein forms V219I, V233I.
Identifiers: ClinVar variation 1447023 (VCV001447023.8), dbSNP rs369676982, ClinGen allele CA8983836.